The following is an entry in ClinVar:

NM_015656.2(KIF26A):c.5165G>C (p.Gly1722Ala)

Gene: KIF26A (kinesin family member 26A; plus strand). Cytogenetic location: 14q32.33.
Variant type: single nucleotide variant.
Coding change: c.5165G>C on transcript NM_015656.2 (MANE Select); coding-DNA position 5165, G replaced by C.
Protein change: p.Gly1722Ala; replaces glycine 1722 with alanine.
Molecular consequence: missense variant.
Genome position (GRCh38, 1-based): chr14:104,178,604, G>C. VCF-style: chr14-104178604-G-C. GRCh37 (hg19) VCF-style: chr14-104644941-G-C.
Other names: c.5165G>C (NM_015656.1); short protein forms G1722A.
Identifiers: ClinVar variation 3340022 (VCV003340022.2).

ClinVar aggregate classification (germline): Uncertain significance. Review status: criteria provided, multiple submitters, no conflicts (2 of 4 stars). 2 submissions from 2 submitters: Uncertain significance (2). Last evaluated 2025-06-18.

gnomAD v4.1: 3 of 1,546,274 alleles (0.00019%); highest among the groups gnomAD compares: Admixed American, 0.0059%; no homozygotes.

Submissions (2):

Ambry Genetics
Classification: Uncertain significance. Last evaluated: 2025-06-18. Review status: criteria provided, single submitter. Criteria: Ambry Variant Classification Scheme 2023. Collection method: clinical testing. Allele origin: germline.

Women's Health and Genetics/Laboratory Corporation of America, LabCorp
Classification: Uncertain significance. Last evaluated: 2024-06-27. Review status: criteria provided, single submitter. Criteria: LabCorp Variant Classification Summary - May 2015. Collection method: clinical testing. Allele origin: germline.
Comment: Variant summary: KIF26A c.5165G>C (p.Gly1722Ala) results in a non-conservative amino acid change in the encoded protein sequence. Three of five in-silico tools predict a damaging effect of the variant on protein function. The variant was absent in 144198 control chromosomes. The available data on variant occurrences in the general population are insufficient to allow any conclusion about variant significance. To our knowledge, no occurrence of c.5165G>C in individuals affected with Cortical Dysplasia, Complex, With Other Brain Malformations 11 and no experimental evidence demonstrating its impact on protein function have been reported. No submitters have cited clinical-significance assessments for this variant to ClinVar. Based on the evidence outlined above, the variant was classified as uncertain significance.